The following is an entry in ClinVar:

ClinVar aggregate classification (germline): Uncertain significance (1 of 4 stars; one submission).

Conditions:
Rhabdoid tumor predisposition syndrome 2 (RTPS2). Identifiers: Orphanet 231108, Orphanet 69077, MedGen C2750074, MONDO:0013224, OMIM 613325.

Allele frequency attached by ClinVar (database versions not stated): gnomAD exomes below 0.00001.
gnomAD v4.1: 5 of 1,587,402 alleles (0.00031%); highest among the groups gnomAD compares: South Asian, 0.0034%; no homozygotes.

Submission:

Labcorp Genetics (formerly Invitae), Labcorp
Classification: Uncertain significance for Rhabdoid tumor predisposition syndrome 2. Last evaluated: 2025-07-14. Review status: criteria provided, single submitter. Criteria: Invitae Variant Classification Sherloc (09022015). Collection method: clinical testing. Allele origin: germline.
Comment: This sequence change replaces glycine, which is neutral and non-polar, with arginine, which is basic and polar, at codon 193 of the SMARCA4 protein (p.Gly193Arg). This variant is not present in population databases (gnomAD no frequency). This variant has not been reported in the literature in individuals affected with SMARCA4-related conditions. ClinVar contains an entry for this variant (Variation ID: 568638). Invitae Evidence Modeling of protein sequence and biophysical properties (such as structural, functional, and spatial information, amino acid conservation, physicochemical variation, residue mobility, and thermodynamic stability) indicates that this missense variant is not expected to disrupt SMARCA4 protein function with a negative predictive value of 95%. In summary, the available evidence is currently insufficient to determine the role of this variant in disease. Therefore, it has been classified as a Variant of Uncertain Significance.

NM_003072.5(SMARCA4):c.577G>A (p.Gly193Arg)

Gene: SMARCA4 (SWI/SNF related BAF chromatin remodeling complex subunit ATPase 4; plus strand). Cytogenetic location: 19p13.2.
Variant type: single nucleotide variant.
Coding change: c.577G>A on transcript NM_003072.5 (MANE Select); coding-DNA position 577, G replaced by A.
Protein change: p.Gly193Arg; replaces glycine 193 with arginine.
Molecular consequence: missense variant. On other transcripts: non-coding transcript variant (1).
Genome position (GRCh38, 1-based): chr19:10,986,410, G>A. VCF-style: chr19-10986410-G-A. GRCh37 (hg19) VCF-style: chr19-11097086-G-A.
Other names: c.577G>A, p.Gly193Arg (NM_001128844.3, NM_001128845.2, NM_001128846.2 and 5 more transcripts); short protein forms G193R.
Identifiers: ClinVar variation 568638 (VCV000568638.8), dbSNP rs1568422547, ClinGen allele CA404056445.